The following is an entry in ClinVar:

ClinVar aggregate classification (germline): Conflicting classifications of pathogenicity. Review status: criteria provided, conflicting classifications (1 of 4 stars). 2 submissions from 2 submitters: Uncertain significance (1); Likely benign (1). Last evaluated 2025-02-13.

Allele frequency attached by ClinVar (database versions not stated): 1000 Genomes Project 0.00020; TOPMed 0.00047; ESP Exome Variant Server 0.00063; gnomAD 0.00022; 1000 Genomes Project 30x 0.00016.
gnomAD v4.1: 117 of 1,614,188 alleles (0.0072%); highest among the groups gnomAD compares: African/African-American, 0.15%; no homozygotes.

Submissions (2):

Ambry Genetics
Classification: Uncertain significance. Last evaluated: 2025-02-13. Review status: criteria provided, single submitter. Criteria: Ambry Variant Classification Scheme 2023. Collection method: clinical testing. Allele origin: germline.

GeneDx
Classification: Likely benign. Last evaluated: 2018-06-12. Review status: criteria provided, single submitter. Criteria: GeneDx Variant Classification (06012015). Collection method: clinical testing. Allele origin: germline. Affected: yes.
Comment: This variant is considered likely benign or benign based on one or more of the following criteria: it is a conservative change, it occurs at a poorly conserved position in the protein, it is predicted to be benign by multiple in silico algorithms, and/or has population frequency not consistent with disease.

NM_012335.4(MYO1F):c.3188A>C (p.Asn1063Thr)

Gene: MYO1F (myosin IF; minus strand). Cytogenetic location: 19p13.2.
Variant type: single nucleotide variant.
Coding change: c.3188A>C on transcript NM_012335.4 (MANE Select); coding-DNA position 3188, A replaced by C.
Protein change: p.Asn1063Thr; replaces asparagine 1063 with threonine.
Molecular consequence: missense variant.
Genome position (GRCh38, 1-based): chr19:8,522,409, T>G on the plus strand (A>C on the coding strand, the complement: MYO1F is on the minus strand). VCF-style: chr19-8522409-T-G. GRCh37 (hg19) VCF-style: chr19-8587293-T-G.
Other names: c.3176A>C, p.Asn1059Thr (NM_001348355.2); short protein forms N1063T, N1059T.
Identifiers: ClinVar variation 668705 (VCV000668705.2), dbSNP rs199953551, ClinGen allele CA9158642.